The following is an entry in ClinVar:

NM_024809.5(TCTN2):c.704dup (p.Cys236fs)

Gene: TCTN2 (tectonic family member 2; plus strand). Cytogenetic location: 12q24.31.
Variant type: Duplication.
Coding change: c.704dup on transcript NM_024809.5 (MANE Select); coding-DNA position 704, one base duplicated (T; older notation c.704dupT).
Protein change: p.Cys236fs; shifts the reading frame from cysteine 236.
Molecular consequence: frameshift variant.
Genome position (GRCh38, 1-based): chr12:123,686,975, T duplicated. VCF-style (leftmost placement, unchanged base first): chr12-123686974-C-CT. GRCh37 (hg19) VCF-style: chr12-124171521-C-CT.
Other names: c.701dup, p.Cys235fs (NM_001143850.3); c.704dup, p.Cys236fs (NM_001410989.1); short protein forms C235fs, C236fs.
Identifiers: ClinVar variation 4787174 (VCV004787174.1).

ClinVar aggregate classification (germline): Pathogenic (1 of 4 stars; one submission).

Conditions:
Meckel-Gruber syndrome. Also called: GRUBER SYNDROME; DYSENCEPHALIA SPLANCHNOCYSTICA; Dysencephalia splachnocystica. Identifiers: Orphanet 564, MedGen C0265215, MONDO:0018921.
Joubert syndrome. Also called: Familial aplasia of the vermis; JOUBERT-BOLTSHAUSER SYNDROME; CEREBELLOPARENCHYMAL DISORDER IV. Identifiers: Orphanet 475, MedGen C5979921, MONDO:0018772.

Submission:

Labcorp Genetics (formerly Invitae), Labcorp
Classification: Pathogenic for Joubert syndrome; Meckel-Gruber syndrome. Last evaluated: 2025-12-31. Review status: criteria provided, single submitter. Criteria: Invitae Variant Classification Sherloc (09022015). Collection method: clinical testing. Allele origin: germline.
Comment: This sequence change creates a premature translational stop signal (p.Cys236Valfs*29) in the TCTN2 gene. It is expected to result in an absent or disrupted protein product. Loss-of-function variants in TCTN2 are known to be pathogenic (PMID: 21565611). This variant is present in population databases (no rsID available, gnomAD 0.003%). This variant has not been reported in the literature in individuals affected with TCTN2-related conditions. For these reasons, this variant has been classified as Pathogenic.

Literature cited by the submitters: PubMed 21565611.